The following is an entry in ClinVar:

ClinVar aggregate classification (germline): Conflicting classifications of pathogenicity. Review status: criteria provided, conflicting classifications (1 of 4 stars). 6 submissions from 6 submitters: Likely pathogenic (2); Uncertain significance (4). Last evaluated 2024-12-27.

Conditions:
Thrombophilia due to protein C deficiency, autosomal dominant. Also called: PROC DEFICIENCY, AUTOSOMAL DOMINANT; PROTEIN C DEFICIENCY, AUTOSOMAL DOMINANT. Identifiers: Orphanet 745, MedGen C2674321, MONDO:0008316, OMIM 176860. Disease mechanism: loss of function.
Thrombophilia due to protein C deficiency, autosomal recessive. Also called: PROC DEFICIENCY, AUTOSOMAL RECESSIVE; PROTEIN C DEFICIENCY, AUTOSOMAL RECESSIVE. Identifiers: Orphanet 745, MedGen C2676759, MONDO:0012860, OMIM 612304.

Allele frequency attached by ClinVar (database versions not stated): gnomAD exomes 0.00011 and 0.00014; ExAC 0.00012; TOPMed 0.00013; gnomAD 0.00015; 1000 Genomes Project 30x 0.00016; 1000 Genomes Project 0.00020.

Submissions (6):

Mayo Clinic Laboratories, Mayo Clinic
Classification: Uncertain significance. Last evaluated: 2024-12-27. Review status: criteria provided, single submitter. Criteria: ACMG Guidelines, 2015. Collection method: clinical testing. Allele origin: germline. Observed: 3 variant alleles.
Comment: PP5, PM1_supporting, PM2_supporting

Baylor Genetics
Classification: Likely pathogenic for Thrombophilia due to protein C deficiency, autosomal recessive. Last evaluated: 2024-03-03. Review status: criteria provided, single submitter. Criteria: ACMG Guidelines, 2015. Collection method: clinical testing. Allele origin: unknown.

Women's Health and Genetics/Laboratory Corporation of America, LabCorp
Classification: Uncertain significance. Last evaluated: 2023-05-11. Review status: criteria provided, single submitter. Criteria: LabCorp Variant Classification Summary - May 2015. Collection method: clinical testing. Allele origin: germline.
Comment: Variant summary: PROC c.703A>C (p.Lys235Gln) results in a conservative amino acid change located in the Serine proteases, trypsin domain (IPR001254) of the encoded protein sequence. Five of five in-silico tools predict a benign effect of the variant on protein function. The variant allele was found at a frequency of 0.00014 in 251262 control chromosomes (gnomAD). c.703A>C has been reported in the literature in individuals affected with Protein C Deficiency (examples: Alhenc-Gelas_2000 and Martos_2019). These report(s) do not provide unequivocal conclusions about association of the variant with Thrombophilia Due To Protein C Deficiency, Autosomal Dominant. To our knowledge, no experimental evidence demonstrating an impact on protein function has been reported. The following publications have been ascertained in the context of this evaluation (PMID: 10669160, 31254973). Two clinical diagnostic laboratories have submitted clinical-significance assessments for this variant to ClinVar after 2014 and classified the variant as likely pathogenic and as uncertain significance. Based on the evidence outlined above, the variant was classified as uncertain significance.

Labcorp Genetics (formerly Invitae), Labcorp
Classification: Uncertain significance for Thrombophilia due to protein C deficiency, autosomal dominant. Last evaluated: 2023-04-25. Review status: criteria provided, single submitter. Criteria: Invitae Variant Classification Sherloc (09022015). Collection method: clinical testing. Allele origin: germline.
Comment: In summary, the available evidence is currently insufficient to determine the role of this variant in disease. Therefore, it has been classified as a Variant of Uncertain Significance. Advanced modeling of protein sequence and biophysical properties (such as structural, functional, and spatial information, amino acid conservation, physicochemical variation, residue mobility, and thermodynamic stability) performed at Invitae indicates that this missense variant is not expected to disrupt PROC protein function. ClinVar contains an entry for this variant (Variation ID: 1676213). This missense change has been observed in individual(s) with clinical features of PROC-related conditions (PMID: 10669160, 31254973, 34355501). This variant is present in population databases (rs370086431, gnomAD 0.05%). This sequence change replaces lysine, which is basic and polar, with glutamine, which is neutral and polar, at codon 235 of the PROC protein (p.Lys235Gln).

Mendelics
Classification: Uncertain significance. Last evaluated: 2022-05-04. Review status: criteria provided, single submitter. Criteria: Mendelics Assertion Criteria 2019. Collection method: clinical testing. Allele origin: germline.

ISTH-SSC Genomics in Thrombosis and Hemostasis, KU Leuven, Center for Molecular and Vascular Biology
Classification: Likely pathogenic for Thrombophilia due to protein C deficiency, autosomal dominant. Last evaluated: 2020-01-01. Review status: criteria provided, single submitter. Criteria: ACMG Guidelines, 2015. Collection method: clinical testing. Allele origin: unknown. Affected: yes.
Comment: Submitted to GoldVariant by Kathleen Freson, Center for Molecular and Vascular Biology, Leuven, Belgium

Literature cited by the submitters: PubMed 10669160 (cited by 3 submitters); PubMed 31254973 (cited by 3 submitters); PubMed 34355501 (cited by 3 submitters); PubMed 37647632 (cited by Mayo Clinic Laboratories, Mayo Clinic); PubMed 38609929 (cited by Mayo Clinic Laboratories, Mayo Clinic); PubMed 8798383 (cited by Mayo Clinic Laboratories, Mayo Clinic).

NM_000312.4(PROC):c.703A>C (p.Lys235Gln)

Gene: PROC (protein C, inactivator of coagulation factors Va and VIIIa; plus strand). Cytogenetic location: 2q14.3.
Variant type: single nucleotide variant.
Coding change: c.703A>C on transcript NM_000312.4 (MANE Select); coding-DNA position 703, A replaced by C.
Protein change: p.Lys235Gln; replaces lysine 235 with glutamine.
Molecular consequence: missense variant.
Genome position (GRCh38, 1-based): chr2:127,427,129, A>C. VCF-style: chr2-127427129-A-C. GRCh37 (hg19) VCF-style: chr2-128184705-A-C.
Other names: p.Lys235Gln; c.886A>C, p.Lys296Gln (NM_001375602.1); c.868A>C, p.Lys290Gln (NM_001375603.1); c.766A>C, p.Lys256Gln (NM_001375604.1); c.805A>C, p.Lys269Gln (NM_001375605.1); c.871A>C, p.Lys291Gln (NM_001375606.1); c.889A>C, p.Lys297Gln (NM_001375607.1); c.646A>C, p.Lys216Gln (NM_001375608.1); and 3 more; short protein forms K216Q, K227Q, K233Q, K235Q, K256Q, K269Q, K290Q, K291Q.
Identifiers: ClinVar variation 1676213 (VCV001676213.7), dbSNP rs370086431, ClinGen allele CA1859425.